The following is an entry in ClinVar:

ClinVar aggregate classification (germline): Uncertain significance (1 of 4 stars; one submission).

Conditions:
Joubert syndrome 21 (JBTS21). Identifiers: MedGen C3810212, MONDO:0014288, OMIM 615636.

Allele frequency attached by ClinVar (database versions not stated): gnomAD exomes below 0.00001.
gnomAD v4.1: 1 of 1,613,682 alleles (0.000062%); highest among the groups gnomAD compares: Non-Finnish European, 0.000085%; no homozygotes.

Submission:

Labcorp Genetics (formerly Invitae), Labcorp
Classification: Uncertain significance for Joubert syndrome 21. Last evaluated: 2022-06-20. Review status: criteria provided, single submitter. Criteria: Invitae Variant Classification Sherloc (09022015). Collection method: clinical testing. Allele origin: germline.
Comment: This variant is not present in population databases (gnomAD no frequency). This sequence change replaces valine, which is neutral and non-polar, with aspartic acid, which is acidic and polar, at codon 277 of the CSPP1 protein (p.Val277Asp). In summary, the available evidence is currently insufficient to determine the role of this variant in disease. Therefore, it has been classified as a Variant of Uncertain Significance. Algorithms developed to predict the effect of missense changes on protein structure and function output the following: SIFT: "Tolerated"; PolyPhen-2: "Benign"; Align-GVGD: "Class C0". The aspartic acid amino acid residue is found in multiple mammalian species, which suggests that this missense change does not adversely affect protein function. ClinVar contains an entry for this variant (Variation ID: 863595). This variant has not been reported in the literature in individuals affected with CSPP1-related conditions.

NM_001382391.1(CSPP1):c.803T>A (p.Val268Asp)

Gene: CSPP1 (centrosome and spindle pole associated protein 1; plus strand). Cytogenetic location: 8q13.1.
Variant type: single nucleotide variant.
Coding change: c.803T>A on transcript NM_001382391.1 (MANE Select); coding-DNA position 803, T replaced by A.
Protein change: p.Val268Asp; replaces valine 268 with aspartic acid.
Molecular consequence: missense variant. On other transcripts: 5 prime UTR variant (1).
Genome position (GRCh38, 1-based): chr8:67,095,612, T>A. VCF-style: chr8-67095612-T-A. GRCh37 (hg19) VCF-style: chr8-68007847-T-A.
Other names: c.-53T>A (NM_001291339.2); c.722T>A, p.Val241Asp (NM_001363131.2, NM_001363133.2); c.803T>A, p.Val268Asp (NM_001363132.2); c.911T>A, p.Val304Asp (NM_001364869.1); c.830T>A, p.Val277Asp (NM_001364870.1, NM_024790.7); short protein forms V277D, V304D, V268D, V241D.
Identifiers: ClinVar variation 863595 (VCV000863595.9), dbSNP rs1812585066, ClinGen allele CA371191248.